The following is an entry in ClinVar:

NM_000458.3:c.1_1045del

Gene: HNF1B (HNF1 homeobox B; minus strand). Cytogenetic location: 17q12.
Variant type: Deletion.
Identifiers: ClinVar variation 635751 (VCV000635751.1).

ClinVar aggregate classification (germline): Pathogenic (1 of 4 stars; one submission).

Conditions:
Renal cysts and diabetes syndrome (RCAD). Also called: Familial hypoplastic, glomerulocystic kidney; MATURITY-ONSET DIABETES OF THE YOUNG, TYPE 5. Identifiers: Orphanet 93111, MedGen C0431693, MONDO:0007669, OMIM 137920.

Submission:

Institute of Human Genetics, FAU Erlangen, Friedrich-Alexander-Universität Erlangen-Nürnberg
Classification: Pathogenic for Renal cysts and diabetes syndrome. Last evaluated: 2019-07-06. Review status: criteria provided, single submitter. Criteria: ACMG Guidelines, 2015. Collection method: literature only. Allele origin: germline. Affected: yes.
Comment: This variant and it's classification has been reported by Vasileiou et al. 2019; DOI:10.1101/576918. The variants has previously been reported in PMID:29927023; PMID:25536396 as "Exons 1-4 deletion; c.1-?_1045+?del Exons1-4" with clinical significance Pathogenic. It has been re-classified using InterVar and manual curation as Pathogenic based on PVS1 PM2 PP3.

Literature cited by the submitters: PubMed 29927023; PubMed 25536396; DOI 10.1101/576918.